The following is an entry in ClinVar:

ClinVar aggregate classification (germline): Conflicting classifications of pathogenicity. Review status: criteria provided, conflicting classifications (1 of 4 stars). 6 submissions from 6 submitters: Uncertain significance (2); Likely benign (3). 1 of the submissions does not count toward it. Last evaluated 2026-01-11.

Conditions:
Weaver syndrome (WVS). Also called: Weaver Smith syndrome; Overgrowth syndrome with accelerated skeletal maturation, unusual facies, and camptodactyly. Identifiers: Orphanet 3447, MedGen C0265210, MONDO:0010193, OMIM 277590.
Early-infantile DEE. Also called: Early infantile epileptic encephalopathy with suppression bursts; Early infantile epileptic encephalopathy; Ohtahara syndrome. Identifiers: Orphanet 1934, MedGen C0393706, MONDO:0800491.
Inborn genetic diseases. Identifiers: MedGen C0950123, MeSH D030342.
SCN1A-related disorder. Also called: SCN1A-related conditions; SCN1A-related condition; SCN1A-related disorders.

Allele frequency attached by ClinVar (database versions not stated): gnomAD 0.00001; TOPMed 0.00002; gnomAD exomes 0.00003 and 0.00005.

Submissions (6):

Labcorp Genetics (formerly Invitae), Labcorp
Classification: Likely benign for Early-infantile DEE. Last evaluated: 2026-01-11. Review status: criteria provided, single submitter. Criteria: Invitae Variant Classification Sherloc (09022015). Collection method: clinical testing. Allele origin: germline.

CeGaT Center for Human Genetics Tuebingen
Classification: Likely benign. Last evaluated: 2025-08-01. Review status: criteria provided, single submitter. Criteria: CeGaT Center For Human Genetics Tuebingen Variant Classification Criteria Version 2. Collection method: clinical testing. Allele origin: germline. Affected: yes. Observed: 1 variant allele.
Comment: SCN1A: BP4

Ambry Genetics
Classification: Likely benign for Inborn genetic diseases. Last evaluated: 2025-05-19. Review status: criteria provided, single submitter. Criteria: Ambry Variant Classification Scheme 2023. Collection method: clinical testing. Allele origin: germline.

Cambridge Genomics Laboratory, East Genomic Laboratory Hub, NHS Genomic Medicine Service
Classification: Uncertain significance for Weaver syndrome. Last evaluated: 2020-03-04. Review status: criteria provided, single submitter. Criteria: ACGS Best Practice Guidelines for Variant Classification in Rare Disease 2020. Collection method: clinical testing. Allele origin: germline. Affected: yes. Observed: 1 variant allele.

Eurofins Ntd Llc (ga)
Classification: Uncertain significance. Last evaluated: 2017-01-25. Review status: criteria provided, single submitter. Criteria: EGL Classification Definitions 2015. Collection method: clinical testing. Allele origin: germline. Observed: 1 variant allele, 1 heterozygote.

PreventionGenetics, part of Exact Sciences
Classification: Likely benign for SCN1A-related condition. Last evaluated: 2023-11-15. Review status: no assertion criteria provided. Collection method: clinical testing. Allele origin: germline. Not counted in ClinVar's aggregate classification.
Comment: This variant is classified as likely benign based on ACMG/AMP sequence variant interpretation guidelines (Richards et al. 2015 PMID: 25741868, with internal and published modifications).

NM_001165963.4(SCN1A):c.3120G>T (p.Arg1040Ser)

Genes: SCN1A (sodium voltage-gated channel alpha subunit 1; minus strand), LOC102724058 (uncharacterized LOC102724058; plus strand). Cytogenetic location: 2q24.3.
Variant type: single nucleotide variant.
Coding change: c.3120G>T on transcript NM_001165963.4 (MANE Select); coding-DNA position 3120, G replaced by T.
Protein change: p.Arg1040Ser; replaces arginine 1040 with serine.
Molecular consequence: missense variant. On other transcripts: non-coding transcript variant (2).
Genome position (GRCh38, 1-based): chr2:166,036,357, C>A on the plus strand (G>T on the coding strand, the complement: SCN1A is on the minus strand). VCF-style: chr2-166036357-C-A. GRCh37 (hg19) VCF-style: chr2-166892867-C-A.
Other names: c.3036G>T, p.Arg1012Ser (NM_001165964.3, NM_001353957.2, NM_001353958.2); c.3120G>T, p.Arg1040Ser (NM_001202435.3, NM_001353948.2); c.3087G>T, p.Arg1029Ser (NM_001353949.2, NM_001353950.2, NM_001353951.2 and 2 more transcripts); c.3084G>T, p.Arg1028Ser (NM_001353954.2, NM_001353955.2); c.3033G>T, p.Arg1011Ser (NM_001353960.2); c.678G>T, p.Arg226Ser (NM_001353961.2); c.3120G>T (NM_001202435.1); short protein forms R1029S, R1040S, R226S, R1012S, R1028S, R1011S.
Identifiers: ClinVar variation 499658 (VCV000499658.29), dbSNP rs1373733895, ClinGen allele CA349059913.